The following is an entry in ClinVar:

ClinVar aggregate classification (germline): Likely benign (1 of 4 stars; one submission).

gnomAD v4.1: 6 of 1,565,692 alleles (0.00038%); highest among the groups gnomAD compares: East Asian, 0.0045%; no homozygotes.

Submission:

CeGaT Center for Human Genetics Tuebingen
Classification: Likely benign. Last evaluated: 2025-10-01. Review status: criteria provided, single submitter. Criteria: CeGaT Center For Human Genetics Tuebingen Variant Classification Criteria Version 2. Collection method: clinical testing. Allele origin: germline. Affected: yes. Observed: 1 variant allele.
Comment: NAA15: BP4, BP7

NM_057175.5(NAA15):c.993A>G (p.Ser331=)

Gene: NAA15 (N-alpha-acetyltransferase 15, NatA auxiliary subunit; plus strand). Cytogenetic location: 4q31.1.
Variant type: single nucleotide variant.
Coding change: c.993A>G on transcript NM_057175.5 (MANE Select); coding-DNA position 993, A replaced by G.
Protein change: p.Ser331=; no amino-acid change (serine 331 retained).
Molecular consequence: synonymous variant.
Genome position (GRCh38, 1-based): chr4:139,351,590, A>G. VCF-style: chr4-139351590-A-G. GRCh37 (hg19) VCF-style: chr4-140272744-A-G.
Other names: c.993A>G, p.Ser331= (NM_001410842.1).
Identifiers: ClinVar variation 4533628 (VCV004533628.6).